The following is an entry in ClinVar:

NM_001114753.3(ENG):c.67+6_67+14del

Gene: ENG (endoglin; minus strand). Cytogenetic location: 9q34.11.
Variant type: Deletion.
Coding change: c.67+6_67+14del on transcript NM_001114753.3 (MANE Select); bases 6 to 14 of the intron after coding-DNA position 67, 9 bases deleted (TGTCCAGGG; older notation c.67+6_67+14delTGTCCAGGG).
Molecular consequence: intron variant.
Genome position (GRCh38, 1-based): chr9:127,854,275-127,854,283, CCCTGGACA deleted on the plus strand (TGTCCAGGG on the coding strand, the reverse complement: ENG is on the minus strand); deleting any 9 consecutive bases within chr9:127,854,275-127,854,285 gives the same sequence; the c. name uses the placement nearest the transcript's 3' end. VCF-style (leftmost placement, unchanged base first): chr9-127854274-TCCCTGGACA-T. GRCh37 (hg19) VCF-style: chr9-130616553-TCCCTGGACA-T.
Other names: c.67+6_67+14del (NM_000118.4, NM_001406715.1).
Identifiers: ClinVar variation 1330554 (VCV001330554.8), dbSNP rs2131936455, ClinGen allele CA2573053097.

ClinVar aggregate classification (germline): Uncertain significance (1 of 4 stars; one submission).

Conditions:
Telangiectasia, hereditary hemorrhagic, type 1 (HHT1). Also called: Osler Weber Rendu syndrome type 1; ENG-Related Hereditary Hemorrhagic Telangiectasia. Identifiers: Orphanet 774, MedGen C4551861, MONDO:0008535, OMIM 187300. Disease mechanism: loss of function.

Submission:

ARUP Laboratories, Molecular Genetics and Genomics, ARUP Laboratories
Classification: Uncertain significance for Telangiectasia, hereditary hemorrhagic, type 1. Last evaluated: 2021-10-06. Review status: criteria provided, single submitter. Criteria: ARUP Molecular Germline Variant Investigation Process 2021. Collection method: clinical testing. Allele origin: germline.
Comment: The ENG c.67+6_67+14del variant, to our knowledge, is not reported in the medical literature or gene specific databases. This variant is also absent from general population databases (Exome Variant Server, Genome Aggregation Database), indicating it is not a common polymorphism. This is an intronic deletion in weakly conserved nucleotides, but computational analyses (Alamut v.2.11) predict that this variant may impact splicing by weakening the nearby canonical donor splice site. Additionally, other variants in this intronic region have been described in affected individuals and are considered pathogenic (Bossler 2006, Giordano 2013, Prigoda 2006). However, given the lack of clinical and functional data, the significance of the variant is uncertain at this time. References: Bossler AD et al. Novel mutations in ENG and ACVRL1 identified in a series of 200 individuals undergoing clinical genetic testing for hereditary hemorrhagic telangiectasia (HHT): correlation of genotype with phenotype. Hum Mutat. 2006 Jul;27(7):667-75. PMID: 16752392. Giordano P et al. Hereditary hemorrhagic telangiectasia: arteriovenous malformations in children. J Pediatr. 2013 Jul;163(1):179-86.e1-3. PMID: 23535011. Prigoda NL et al. Hereditary haemorrhagic telangiectasia: mutation detection, test sensitivity and novel mutations. J Med Genet. 2006 Sep;43(9):722-8. PMID: 16690726.